The following is an entry in ClinVar:

NM_006267.5(RANBP2):c.1643T>C (p.Val548Ala)

Gene: RANBP2 (RAN binding protein 2; plus strand). Cytogenetic location: 2q13.
Variant type: single nucleotide variant.
Coding change: c.1643T>C on transcript NM_006267.5 (MANE Select); coding-DNA position 1643, T replaced by C.
Protein change: p.Val548Ala; replaces valine 548 with alanine.
Molecular consequence: missense variant.
Genome position (GRCh38, 1-based): chr2:108,751,882, T>C. VCF-style: chr2-108751882-T-C. GRCh37 (hg19) VCF-style: chr2-109368338-T-C.
Other names: short protein forms V548A.
Identifiers: ClinVar variation 1398726 (VCV001398726.8), dbSNP rs3872469, ClinGen allele CA1822400.
Genomic context (GRCh38, chr2:108,751,882, plus strand): 5'-TGAACTGTGTATTTAGAAAGCAATTTTAGTAAATTGAACTATTTTTTAGACCTGGAAACG[T>C]AGCAAAATTGAGACTTCTAGTTCAGCATGAAATAAACACTCTAAGAGCCCAGGAAAAACA-3'
Protein context (NP_006258.3, residues 538-558): LIHRKAVPGN[Val548Ala]AKLRLLVQHE

ClinVar aggregate classification (germline): Conflicting classifications of pathogenicity. Review status: criteria provided, conflicting classifications (1 of 4 stars). 2 submissions from 2 submitters: Uncertain significance (1); Likely benign (1). Last evaluated 2024-01-17.

Conditions:
Familial acute necrotizing encephalopathy (IIAE3). Also called: ENCEPHALOPATHY, ACUTE, INFECTION-INDUCED, SUSCEPTIBILITY TO, 3; Susceptibility to Acute Necrotizing Encephalopathy 1. Identifiers: Orphanet 88619, MedGen C2675556, MONDO:0011953, OMIM 608033.

Allele frequency attached by ClinVar (database versions not stated): gnomAD 0.00001; gnomAD exomes 0.00001; ExAC 0.00002.
gnomAD v4.1: 20 of 1,611,824 alleles (0.0012%); highest among the groups gnomAD compares: South Asian, 0.0066%; 1 homozygote.

Submissions (2):

Labcorp Genetics (formerly Invitae), Labcorp
Classification: Uncertain significance for Familial acute necrotizing encephalopathy. Last evaluated: 2024-01-17. Review status: criteria provided, single submitter. Criteria: Invitae Variant Classification Sherloc (09022015). Collection method: clinical testing. Allele origin: germline.
Comment: This sequence change replaces valine, which is neutral and non-polar, with alanine, which is neutral and non-polar, at codon 548 of the RANBP2 protein (p.Val548Ala). This variant is present in population databases (rs3872469, gnomAD 0.006%). This variant has not been reported in the literature in individuals affected with RANBP2-related conditions. ClinVar contains an entry for this variant (Variation ID: 1398726). Algorithms developed to predict the effect of missense changes on protein structure and function output the following: SIFT: "Not Available"; PolyPhen-2: "Benign"; Align-GVGD: "Not Available". The alanine amino acid residue is found in multiple mammalian species, which suggests that this missense change does not adversely affect protein function. In summary, the available evidence is currently insufficient to determine the role of this variant in disease. Therefore, it has been classified as a Variant of Uncertain Significance.

Blueprint Genetics
Classification: Likely benign. Last evaluated: 2024-01-15. Review status: criteria provided, single submitter. Criteria: ACMG Guidelines, 2015. Collection method: clinical testing. Allele origin: germline.